The following is an entry in ClinVar:

ClinVar aggregate classification (germline): Uncertain significance (1 of 4 stars; one submission).

Submission:

GeneDx
Classification: Uncertain significance. Last evaluated: 2024-08-16. Review status: criteria provided, single submitter. Criteria: GeneDx Variant Classification Process June 2021. Collection method: clinical testing. Allele origin: germline. Affected: yes.
Comment: Not observed at significant frequency in large population cohorts (gnomAD); In silico analysis supports that this missense variant has a deleterious effect on protein structure/function; Has not been previously published as pathogenic or benign to our knowledge

NM_012281.3(KCND2):c.1139C>T (p.Thr380Ile)

Gene: KCND2 (potassium voltage-gated channel subfamily D member 2; plus strand). Cytogenetic location: 7q31.31.
Variant type: single nucleotide variant.
Coding change: c.1139C>T on transcript NM_012281.3 (MANE Select); coding-DNA position 1139, C replaced by T.
Protein change: p.Thr380Ile; replaces threonine 380 with isoleucine.
Molecular consequence: missense variant.
Genome position (GRCh38, 1-based): chr7:120,732,926, C>T. VCF-style: chr7-120732926-C-T. GRCh37 (hg19) VCF-style: chr7-120372980-C-T.
Other names: short protein forms T380I.
Identifiers: ClinVar variation 3731151 (VCV003731151.1).
Genomic context (GRCh38, chr7:120,732,926, plus strand): 5'-CTTAAAACAATATATATATATTTTTTCTTTAACTCAGGTATGGTGACATGGTGCCAAAAA[C>T]CATAGCAGGGAAGATTTTTGGTTCTATCTGTTCGCTGAGTGGGGTCTTGGTCATTGCTCT-3'
Protein context (NP_036413.1, residues 370-390): TLGYGDMVPK[Thr380Ile]IAGKIFGSIC